The following is an entry in ClinVar:

NM_020312.4(COQ9):c.362T>C (p.Ile121Thr)

Gene: COQ9 (coenzyme Q9; plus strand). Cytogenetic location: 16q21.
Variant type: single nucleotide variant.
Coding change: c.362T>C on transcript NM_020312.4 (MANE Select); coding-DNA position 362, T replaced by C.
Protein change: p.Ile121Thr; replaces isoleucine 121 with threonine.
Molecular consequence: missense variant.
Genome position (GRCh38, 1-based): chr16:57,452,920, T>C. VCF-style: chr16-57452920-T-C. GRCh37 (hg19) VCF-style: chr16-57486832-T-C.
Other names: p.I121T:ATT>ACT; short protein forms I121T.
Identifiers: ClinVar variation 214245 (VCV000214245.27), dbSNP rs547254482, ClinGen allele CA322409.

ClinVar aggregate classification (germline): Conflicting classifications of pathogenicity. Review status: criteria provided, conflicting classifications (1 of 4 stars). 6 submissions from 6 submitters: Uncertain significance (1); Likely benign (5). Last evaluated 2026-01-11.

Conditions:
Encephalopathy-hypertrophic cardiomyopathy-renal tubular disease syndrome. Identifiers: Orphanet 319678, MedGen C3553374, MONDO:0013840, OMIM 614654.

Allele frequency attached by ClinVar (database versions not stated): gnomAD 0.00002 and 0.00029; TOPMed 0.00006; gnomAD exomes 0.00046 and 0.00099; ExAC 0.00112; 1000 Genomes Project 0.00140; 1000 Genomes Project 30x 0.00187.

Submissions (6):

Labcorp Genetics (formerly Invitae), Labcorp
Classification: Likely benign. Last evaluated: 2026-01-11. Review status: criteria provided, single submitter. Criteria: Invitae Variant Classification Sherloc (09022015). Collection method: clinical testing. Allele origin: germline.

CeGaT Center for Human Genetics Tuebingen
Classification: Likely benign. Last evaluated: 2025-12-01. Review status: criteria provided, single submitter. Criteria: CeGaT Center For Human Genetics Tuebingen Variant Classification Criteria Version 2. Collection method: clinical testing. Allele origin: germline. Affected: yes. Observed: 1 variant allele.
Comment: COQ9: BS2

Blueprint Genetics
Classification: Likely benign. Last evaluated: 2024-11-11. Review status: criteria provided, single submitter. Criteria: ACMG Guidelines, 2015. Collection method: clinical testing. Allele origin: germline.

GeneDx
Classification: Likely benign. Last evaluated: 2020-11-06. Review status: criteria provided, single submitter. Criteria: GeneDx Variant Classification Process June 2021. Collection method: clinical testing. Allele origin: germline. Affected: yes.
Comment: This variant is associated with the following publications: (PMID: 27391121)

Fulgent Genetics
Classification: Uncertain significance for Encephalopathy-hypertrophic cardiomyopathy-renal tubular disease syndrome. Last evaluated: 2018-10-31. Review status: criteria provided, single submitter. Criteria: ACMG Guidelines, 2015. Collection method: clinical testing. Allele origin: unknown.

ARUP Laboratories, Molecular Genetics and Genomics, ARUP Laboratories
Classification: Likely benign. Last evaluated: 2017-05-17. Review status: criteria provided, single submitter. Criteria: ARUP Molecular Germline Variant Investigation Process. Collection method: clinical testing. Allele origin: germline.
Comment: The p.Ile121Thr variant (rs547254482) has been previously identified as a homozygote in a patient with developmental delay, head nodding, and hypotonia (Al-Shamsi 2016). However, the patient described in Al-Shamsi (2016) also harbored - as a homozygote - a previously-established pathogenic variant in TRAPPC11, and normal coenzyme Q10 activity was detected in the patientâ€™s muscle tissue. The p.Ile121Thr variant is listed in the Genome Aggregation Database (gnomAD) browser with a frequency in South Asian populations of 0.81% (identified in248 out of 30,782 chromosomes including 2 homozygotes). Thus, based on the available information, this variant is likely to be benign.